The following is an entry in ClinVar:

NM_000092.5(COL4A4):c.3577+1G>A

Gene: COL4A4 (collagen type IV alpha 4 chain; minus strand). Cytogenetic location: 2q36.3.
Variant type: single nucleotide variant.
Coding change: c.3577+1G>A on transcript NM_000092.5 (MANE Select); the canonical splice donor site of the intron after coding-DNA position 3577, G replaced by A.
Molecular consequence: splice donor variant.
Genome position (GRCh38, 1-based): chr2:227,033,409, C>T on the plus strand (G>A on the coding strand, the complement: COL4A4 is on the minus strand). VCF-style: chr2-227033409-C-T. GRCh37 (hg19) VCF-style: chr2-227898125-C-T.
Identifiers: ClinVar variation 1878827 (VCV001878827.2), dbSNP rs1968845280, ClinGen allele CA350837983.

ClinVar aggregate classification (germline): Likely pathogenic. Review status: criteria provided, multiple submitters, no conflicts (2 of 4 stars). 2 submissions from 2 submitters: Likely pathogenic (2). Last evaluated 2025-02-05.

Conditions:
Benign familial hematuria. Also called: thin basement membrane disease. Identifiers: MedGen C0241908, MONDO:0957317.

Allele frequency attached by ClinVar (database versions not stated): TOPMed below 0.00001.
gnomAD v4.1: 1 of 1,610,124 alleles (0.000062%); no homozygotes.

Submissions (2):

Women's Health and Genetics/Laboratory Corporation of America, LabCorp
Classification: Likely pathogenic for Benign familial hematuria. Last evaluated: 2025-02-05. Review status: criteria provided, single submitter. Criteria: LabCorp Variant Classification Summary - May 2015. Collection method: clinical testing. Allele origin: germline.
Comment: Variant summary: COL4A4 c.3577+1G>A is located in a canonical splice-site and is predicted to affect mRNA splicing resulting in a significantly altered protein due to either exon skipping, shortening, or inclusion of intronic material. Variants that disrupt the consensus splice site are a relatively common cause of aberrant splicing and loss of COL4A4 function. Several computational tools predict a significant impact on normal splicing: Four predict the variant abolishes a 5' splicing donor site. However, these predictions have yet to be confirmed by functional studies. The variant was absent in 248802 control chromosomes. c.3577+1G>A has been reported in the literature in a heterozygous individual affected with hematuria and proteinuria who had a positive family history with a autosomal dominant pattern of inheritance (Imafuku_2018). To our knowledge, no experimental evidence demonstrating an impact on protein function has been reported. The following publication has been ascertained in the context of this evaluation (PMID: 28704582). ClinVar contains an entry for this variant (Variation ID: 1878827). Based on the evidence outlined above, the variant was classified as likely pathogenic for Benign Familial Hematuria and Autosomal Recessive Alport Syndrome.

GeneDx
Classification: Likely pathogenic. Last evaluated: 2022-07-13. Review status: criteria provided, single submitter. Criteria: GeneDx Variant Classification Process June 2021. Collection method: clinical testing. Allele origin: germline. Affected: yes.
Comment: Canonical splice site variant expected to result in aberrant splicing, although in the absence of functional evidence the actual effect of this sequence change is unknown.; Not observed at significant frequency in large population cohorts (gnomAD); This variant is associated with the following publications: (PMID: 28704582)

Literature cited by the submitters: PubMed 28704582 (cited by Women's Health and Genetics/Laboratory Corporation of America, LabCorp).